The following is an entry in ClinVar:

NM_000069.3(CACNA1S):c.5251C>A (p.Pro1751Thr)

Gene: CACNA1S (calcium voltage-gated channel subunit alpha1 S; minus strand). Cytogenetic location: 1q32.1.
Variant type: single nucleotide variant.
Coding change: c.5251C>A on transcript NM_000069.3 (MANE Select); coding-DNA position 5251, C replaced by A.
Protein change: p.Pro1751Thr; replaces proline 1751 with threonine.
Molecular consequence: missense variant.
Genome position (GRCh38, 1-based): chr1:201,040,350, G>T on the plus strand (C>A on the coding strand, the complement: CACNA1S is on the minus strand). VCF-style: chr1-201040350-G-T. GRCh37 (hg19) VCF-style: chr1-201009478-G-T.
Other names: short protein forms P1751T.
Identifiers: ClinVar variation 3072662 (VCV003072662.2), dbSNP rs1255545977, ClinGen allele CA344131353.

ClinVar aggregate classification (germline): Uncertain significance. Review status: criteria provided, multiple submitters, no conflicts (2 of 4 stars). 2 submissions from 2 submitters: Uncertain significance (2). Last evaluated 2024-02-20.

Conditions:
Malignant hyperthermia, susceptibility to, 5 (MHS5). Also called: CACNA1S-Related Malignant Hyperthermia Susceptibility. Identifiers: Orphanet 423, MedGen C1866077, MONDO:0011163, OMIM 601887.
Hypokalemic periodic paralysis, type 1. Also called: HypoPP; Hypokalemic Periodic Paralysis Type 1 (AD). Identifiers: Orphanet 681, MedGen C3714580, MONDO:0042979, OMIM 170400.
Congenital myopathy 18. Also called: Myopathy, congenital, due to dihydropyridine receptor defect; DIHYDROPYRIDINE RECEPTOR CONGENITAL MYOPATHY; DHPR CONGENITAL MYOPATHY. Identifiers: MedGen C5830283, MONDO:0859514, OMIM 620246.
Thyrotoxic periodic paralysis, susceptibility to, 1 (TTPP1). Identifiers: Orphanet 79102, MedGen C2749982, MONDO:0008570, OMIM 188580.

Allele frequency attached by ClinVar (database versions not stated): gnomAD exomes below 0.00001.
gnomAD v4.1: 2 of 1,613,624 alleles (0.00012%); highest among the groups gnomAD compares: Non-Finnish European, 0.000085%; no homozygotes.

Submissions (2):

Fulgent Genetics
Classification: Uncertain significance for Hypokalemic periodic paralysis, type 1; Thyrotoxic periodic paralysis, susceptibility to, 1; Malignant hyperthermia, susceptibility to, 5; Congenital myopathy 18. Last evaluated: 2024-02-20. Review status: criteria provided, single submitter. Criteria: ACMG Guidelines, 2015. Collection method: clinical testing. Allele origin: germline.

All of Us Research Program, National Institutes of Health
Classification: Uncertain significance for Malignant hyperthermia, susceptibility to, 5. Last evaluated: 2023-08-15. Review status: criteria provided, single submitter. Criteria: ACMG Guidelines, 2015. Collection method: clinical testing. Allele origin: germline. Inheritance: Autosomal dominant inheritance. Observed: 1 variant allele, 1 heterozygote.
Comment: This missense variant replaces proline with threonine at codon 1751 of the CACNA1S protein. Computational prediction suggests that this variant may not impact protein structure and function (internally defined REVEL score threshold <= 0.5, PMID: 27666373). To our knowledge, functional studies have not been reported for this variant. This variant has not been reported in individuals affected with CACNA1S-related disorders in the literature. This variant has been identified in 2/250174 chromosomes in the general population by the Genome Aggregation Database (gnomAD). The available evidence is insufficient to determine the role of this variant in disease conclusively. Therefore, this variant is classified as a Variant of Uncertain Significance.

This study involves interpretation of variants in research participants for the purpose of population health screening. Participant phenotype was not available at the time of variant classification. Additional details can be found in publication PMID: 35346344, PMCID: PMC8962531